The following is an entry in ClinVar:

NM_019109.5(ALG1):c.817C>G (p.Leu273Val)

Gene: ALG1 (ALG1 chitobiosyldiphosphodolichol beta-mannosyltransferase; plus strand). Cytogenetic location: 16p13.3.
Variant type: single nucleotide variant.
Coding change: c.817C>G on transcript NM_019109.5 (MANE Select); coding-DNA position 817, C replaced by G.
Protein change: p.Leu273Val; replaces leucine 273 with valine.
Molecular consequence: missense variant.
Genome position (GRCh38, 1-based): chr16:5,078,833, C>G. VCF-style: chr16-5078833-C-G. GRCh37 (hg19) VCF-style: chr16-5128834-C-G.
Other names: c.817C>G (NM_019109.4); c.484C>G, p.Leu162Val (NM_001330504.2); short protein forms L162V, L273V.
Identifiers: ClinVar variation 2163980 (VCV002163980.2), dbSNP rs142044791, ClinGen allele CA7890030.
Genomic context (GRCh38, chr16:5,078,833, plus strand): 5'-CCAGTCACGGAGCGGTCGGCCTTCACGGAGCGGGATGCTGGGAGCGGGCTGGTGACGCGT[C>G]TCCGTGAGCGGCCAGCCCTGCTGGTCAGCAGCACGAGCTGGACAGGTCTGCAGGACCCCT-3'
Protein context (NP_061982.3, residues 263-283): RDAGSGLVTR[Leu273Val]RERPALLVSS

ClinVar aggregate classification (germline): Uncertain significance. Review status: criteria provided, multiple submitters, no conflicts (2 of 4 stars). 2 submissions from 2 submitters: Uncertain significance (2). Last evaluated 2025-04-07.

Conditions:
Inborn genetic diseases. Identifiers: MedGen C0950123, MeSH D030342.
ALG1-congenital disorder of glycosylation. Also called: CONGENITAL DISORDER OF GLYCOSYLATION, TYPE Ik; CDG Ik; ALG1-CDG. Identifiers: Orphanet 79327, MedGen C2931005, MONDO:0012052, OMIM 608540.

Submissions (2):

Ambry Genetics
Classification: Uncertain significance for Inborn genetic diseases. Last evaluated: 2025-04-07. Review status: criteria provided, single submitter. Criteria: Ambry Variant Classification Scheme 2023. Collection method: clinical testing. Allele origin: germline.

Labcorp Genetics (formerly Invitae), Labcorp
Classification: Uncertain significance for ALG1-congenital disorder of glycosylation. Last evaluated: 2022-03-17. Review status: criteria provided, single submitter. Criteria: Invitae Variant Classification Sherloc (09022015). Collection method: clinical testing. Allele origin: germline.
Comment: This sequence change replaces leucine, which is neutral and non-polar, with valine, which is neutral and non-polar, at codon 273 of the ALG1 protein (p.Leu273Val). This variant is present in population databases (rs142044791, gnomAD 0.01%). This variant has not been reported in the literature in individuals affected with ALG1-related conditions. Algorithms developed to predict the effect of missense changes on protein structure and function (SIFT, PolyPhen-2, Align-GVGD) all suggest that this variant is likely to be tolerated. In summary, the available evidence is currently insufficient to determine the role of this variant in disease. Therefore, it has been classified as a Variant of Uncertain Significance.